The following is an entry in ClinVar:

NM_000051.4(ATM):c.6475T>G (p.Cys2159Gly)

Genes: ATM (ATM serine/threonine kinase; plus strand), C11orf65 (chromosome 11 open reading frame 65; minus strand). Cytogenetic location: 11q22.3.
Variant type: single nucleotide variant.
Coding change: c.6475T>G on transcript NM_000051.4 (MANE Select); coding-DNA position 6475, T replaced by G.
Protein change: p.Cys2159Gly; replaces cysteine 2159 with glycine.
Molecular consequence: missense variant. On other transcripts: intron variant (2).
Genome position (GRCh38, 1-based): chr11:108,321,323, T>G. VCF-style: chr11-108321323-T-G. GRCh37 (hg19) VCF-style: chr11-108192050-T-G.
Other names: c.6475T>G, p.Cys2159Gly (NM_001351834.2); c.641-12252A>C (NM_001330368.2); c.*39-12252A>C (NM_001351110.2); short protein forms C2159G.
Identifiers: ClinVar variation 230532 (VCV000230532.41), dbSNP rs150408832, ClinGen allele CA6265955.

ClinVar aggregate classification (germline): Conflicting classifications of pathogenicity. Review status: criteria provided, conflicting classifications (1 of 4 stars). 11 submissions from 11 submitters: Uncertain significance (9); Likely benign (1). 1 of the submissions does not count toward it. Last evaluated 2026-06-30.

Conditions:
ATM-related disorder. Also called: ATM-related disorders; ATM-related condition.
Hereditary cancer-predisposing syndrome. Also called: Neoplastic Syndromes, Hereditary; Hereditary neoplastic syndrome; Tumor predisposition; Hereditary Cancer Syndrome. Identifiers: Orphanet 140162, MedGen C0027672, MeSH D009386, MONDO:0015356.
Familial cancer of breast. Also called: hereditary breast carcinoma; Hereditary breast cancer; BREAST CANCER, FAMILIAL. Identifiers: Orphanet 227535, MedGen C0346153, MONDO:0016419, OMIM 114480. Disease mechanism: loss of function.
Ataxia-telangiectasia syndrome (AT). Also called: Ataxia telangiectasia (A-T); Cerebello-oculocutaneous telangiectasia; Immunodeficiency with ataxia telangiectasia; LOUIS-BAR SYNDROME; AT, COMPLEMENTATION GROUP C; ATAXIA-TELANGIECTASIA, FRESNO VARIANT. Identifiers: Orphanet 100, MedGen C0004135, MONDO:0008840, OMIM 208900.

Allele frequency attached by ClinVar (database versions not stated): ExAC 0.00002; gnomAD 0.00009 and 0.00007; ESP Exome Variant Server 0.00023; gnomAD exomes 0.00001 and 0.00003; TOPMed 0.00012; 1000 Genomes Project 30x 0.00016; 1000 Genomes Project 0.00020.
gnomAD v4.1: 18 of 1,614,154 alleles (0.0011%); highest among the groups gnomAD compares: African/African-American, 0.024%; no homozygotes.

Submissions (11):

Women's Health and Genetics/Laboratory Corporation of America, LabCorp
Classification: Uncertain significance. Last evaluated: 2026-06-30. Review status: criteria provided, single submitter. Criteria: LabCorp Variant Classification Summary - May 2015. Collection method: clinical testing. Allele origin: germline.
Comment: Variant summary: ATM c.6475T>G (p.Cys2159Gly) results in a non-conservative amino acid change in the encoded protein sequence. Algorithms developed to predict the effect of missense changes on protein structure and function are either unavailable or do not agree on the potential impact of this missense change. The variant allele was found at a frequency of 2.8e-05 in 251436 control chromosomes. The available data on variant occurrences in the general population are insufficient to allow any conclusion about variant significance. To our knowledge, no occurrence of c.6475T>G in individuals affected with ATM-related conditions and no experimental evidence demonstrating its impact on protein function have been reported. ClinVar contains an entry for this variant (Variation ID: 230532). Based on the evidence outlined above, the variant was classified as uncertain significance.

PreventionGenetics, part of Exact Sciences
Classification: Uncertain significance for ATM-related condition. Last evaluated: 2026-03-05. Review status: criteria provided, single submitter. Criteria: ACMG Guidelines, 2015. Collection method: clinical testing. Allele origin: germline.
Comment: The ATM c.6475T>G variant is predicted to result in the amino acid substitution p.Cys2159Gly. To our knowledge, the variant has not been reported in the literature in individuals with ATM-related disease. This variant is reported in 0.032% of alleles in individuals of African descent in gnomAD and has interpretations in ClinVar ranging from uncertain to likely benign (Variation ID: 230532). At this time, the clinical significance of this variant is uncertain due to the absence of conclusive functional and genetic evidence.

Labcorp Genetics (formerly Invitae), Labcorp
Classification: Uncertain significance for Ataxia-telangiectasia syndrome. Last evaluated: 2026-01-20. Review status: criteria provided, single submitter. Criteria: Invitae Variant Classification Sherloc (09022015). Collection method: clinical testing. Allele origin: germline.
Comment: This sequence change replaces cysteine, which is neutral and slightly polar, with glycine, which is neutral and non-polar, at codon 2159 of the ATM protein (p.Cys2159Gly). This variant is present in population databases (rs150408832, gnomAD 0.03%). This variant has not been reported in the literature in individuals affected with ATM-related conditions. ClinVar contains an entry for this variant (Variation ID: 230532). Invitae Evidence Modeling of protein sequence and biophysical properties (such as structural, functional, and spatial information, amino acid conservation, physicochemical variation, residue mobility, and thermodynamic stability) indicates that this missense variant is not expected to disrupt ATM protein function with a negative predictive value of 95%. RNA analysis performed to evaluate the impact of this missense change on mRNA splicing indicates it does not significantly alter splicing (internal data). In summary, the available evidence is currently insufficient to determine the role of this variant in disease. Therefore, it has been classified as a Variant of Uncertain Significance.

Quest Diagnostics Nichols Institute San Juan Capistrano
Classification: Uncertain significance. Last evaluated: 2025-08-16. Review status: criteria provided, single submitter. Criteria: Quest Diagnostics criteria. Collection method: clinical testing. Allele origin: unknown.

Color Diagnostics, LLC DBA Color Health
Classification: Uncertain significance for Hereditary cancer-predisposing syndrome. Last evaluated: 2024-09-30. Review status: criteria provided, single submitter. Criteria: ACMG Guidelines, 2015. Collection method: clinical testing. Allele origin: germline.
Comment: This missense variant replaces cysteine with glycine at codon 2159 of the ATM protein. Computational prediction suggests that this variant may not impact protein structure and function. To our knowledge, functional studies have not been reported for this variant. This variant has not been reported in individuals affected with hereditary cancer in the literature. This variant has been identified in 8/282836 chromosomes in the general population by the Genome Aggregation Database (gnomAD). The available evidence is insufficient to determine the role of this variant in disease conclusively. Therefore, this variant is classified as a Variant of Uncertain Significance.

Myriad Genetics, Inc.
Classification: Likely benign for Familial cancer of breast. Last evaluated: 2024-06-06. Review status: criteria provided, single submitter. Criteria: Myriad Autosomal Dominant, Autosomal Recessive and X-Linked Classification Criteria (2023). Collection method: clinical testing. Allele origin: unknown.
Comment: This variant is considered likely benign. This variant is strongly associated with less severe personal and family histories of cancer, typical for individuals without pathogenic variants in this gene [PMID: 25085752].

Baylor Genetics
Classification: Uncertain significance for Familial cancer of breast. Last evaluated: 2024-03-27. Review status: criteria provided, single submitter. Criteria: ACMG Guidelines, 2015. Collection method: clinical testing. Allele origin: unknown.

Ambry Genetics
Classification: Uncertain significance for Hereditary cancer-predisposing syndrome. Last evaluated: 2024-01-23. Review status: criteria provided, single submitter. Criteria: Ambry Variant Classification Scheme 2023. Collection method: clinical testing. Allele origin: germline.
Comment: The p.C2159G variant (also known as c.6475T>G), located in coding exon 44 of the ATM gene, results from a T to G substitution at nucleotide position 6475. The cysteine at codon 2159 is replaced by glycine, an amino acid with highly dissimilar properties. This amino acid position is well conserved in available vertebrate species. In addition, the in silico prediction for this alteration is inconclusive. Since supporting evidence is limited at this time, the clinical significance of this alteration remains unclear.

GeneDx
Classification: Uncertain significance. Last evaluated: 2022-12-21. Review status: criteria provided, single submitter. Criteria: GeneDx Variant Classification Process June 2021. Collection method: clinical testing. Allele origin: germline. Affected: yes.
Comment: In silico analysis supports that this missense variant has a deleterious effect on protein structure/function; Has not been previously published as a pathogenic or benign germline variant to our knowledge; This variant is associated with the following publications: (PMID: 28122867, 23532176)

Sema4
Classification: Uncertain significance for Hereditary cancer-predisposing syndrome. Last evaluated: 2022-02-14. Review status: criteria provided, single submitter. Criteria: Sema4 Curation Guidelines. Collection method: curation. Allele origin: germline.
Comment: The ATM c.6475T>G (p.C2159G) variant has not been reported in the literature to our knowledge. It was observed in 8/24968 chromosomes of the African/African-American subpopulation, in the large and broad cohorts of the Genome Aggregation Database (PMID: 32461654). This variant has been reported in ClinVar (Variation ID 230532). Functional studies have not been performed, and in silico predictions of the variant's effect on protein function are inconclusive. The evidence is insufficient to meet ACMG/AMP criteria for classifying the variant as benign or pathogenic. Thus, the clinical significance of this variant is currently uncertain.

Natera, Inc.
Classification: Uncertain significance for Ataxia-telangiectasia. Last evaluated: 2020-09-29. Review status: no assertion criteria provided. Collection method: clinical testing. Allele origin: germline. Not counted in ClinVar's aggregate classification.

Literature cited by the submitters: PubMed 25085752 (cited by Myriad Genetics, Inc.).